The following is an entry in ClinVar:

ClinVar aggregate classification (germline): Pathogenic (1 of 4 stars; one submission).

Conditions:
Hereditary cancer-predisposing syndrome. Also called: Neoplastic Syndromes, Hereditary; Tumor predisposition; Hereditary Cancer Syndrome; Hereditary neoplastic syndrome. Identifiers: Orphanet 140162, MedGen C0027672, MeSH D009386, MONDO:0015356.

Submission:

Ambry Genetics
Classification: Pathogenic for Hereditary cancer-predisposing syndrome. Last evaluated: 2023-07-10. Review status: criteria provided, single submitter. Criteria: Ambry Variant Classification Scheme 2023. Collection method: clinical testing. Allele origin: germline.
Comment: The c.2426delT pathogenic mutation (also known as p.L809*), located in coding exon 10 of the BRCA2 gene, results from a deletion of one nucleotide at nucleotide position 2426. This changes the amino acid from a leucine to a stop codon within coding exon 10. While this exact alteration has not been reported in the literature, a different mutation resulting in the same stop codon (c.2426T>G) has been reported in individuals with hereditary breast and/or ovarian cancer (Claus et al. JAMA 2005 Feb;293(8):964-9; Tung et al. Cancer 2015 Jan;121(1):25-33; Susswein et al. Genet. Med. 2016 08;18(8):823-32; Shroff et al. JCO Precis Oncol 2018 May;2018). In addition to the clinical data presented in the literature, this alteration is expected to result in loss of function by premature protein truncation or nonsense-mediated mRNA decay. As such, this alteration is interpreted as a disease-causing mutation.

NM_000059.4(BRCA2):c.2426del (p.Glu808_Leu809insTer)

Gene: BRCA2 (BRCA2 DNA repair associated; plus strand). Cytogenetic location: 13q13.1.
Variant type: Deletion.
Coding change: c.2426del on transcript NM_000059.4 (MANE Select); coding-DNA position 2426, one base deleted (T; older notation c.2426delT).
Protein change: p.Glu808_Leu809insTer.
Molecular consequence: nonsense.
Genome position (GRCh38, 1-based): chr13:32,336,781, T deleted; the last of 2 consecutive T bases (chr13:32,336,780-32,336,781); deleting either gives the same sequence. VCF-style (leftmost placement, unchanged base first): chr13-32336779-AT-A. GRCh37 (hg19) VCF-style: chr13-32910916-AT-A.
Identifiers: ClinVar variation 821251 (VCV000821251.5), dbSNP rs1593896907, ClinGen allele CA915946987.
Genomic context (GRCh38, chr13:32,336,779, plus strand): 5'-CAAAGAATCATACAAAATGTCAGACAAGCTCAAAGGTAACAATTATGAATCTGATGTTGA[AT>A]TAACCAAAAATATTCCCATGGAAAAGAATCAAGATGTATGTGCTTTAAATGAAAATTATA-3'